The following is an entry in ClinVar:

ClinVar aggregate classification (germline): Uncertain significance (1 of 4 stars; one submission).

Conditions:
Shprintzen-Goldberg syndrome (SGS). Also called: SHPRINTZEN-GOLDBERG CRANIOSYNOSTOSIS SYNDROME; CRANIOSYNOSTOSIS WITH ARACHNODACTYLY AND ABDOMINAL HERNIAS; Marfanoid disorder with craniosynostosis type 1; Marfanoid craniosynostosis syndrome; Shprintzen-Goldberg marfanoid syndrome. Identifiers: Orphanet 2462, MedGen C1321551, MONDO:0008426, OMIM 182212.

gnomAD v4.1: 1 of 1,533,830 alleles (0.000065%); highest among the groups gnomAD compares: Non-Finnish European, 0.000088%; no homozygotes.

Submission:

Labcorp Genetics (formerly Invitae), Labcorp
Classification: Uncertain significance for Shprintzen-Goldberg syndrome. Last evaluated: 2019-11-08. Review status: criteria provided, single submitter. Criteria: Invitae Variant Classification Sherloc (09022015). Collection method: clinical testing. Allele origin: germline.
Comment: This sequence change replaces glutamic acid with lysine at codon 716 of the SKI protein (p.Glu716Lys). The glutamic acid residue is weakly conserved and there is a small physicochemical difference between glutamic acid and lysine. The frequency data for this variant in the population databases is considered unreliable, as metrics indicate insufficient coverage at this position in the ExAC database. This variant has not been reported in the literature in individuals with SKI-related conditions. In summary, the available evidence is currently insufficient to determine the role of this variant in disease. Therefore, it has been classified as a Variant of Uncertain Significance.

NM_003036.4(SKI):c.2146G>A (p.Glu716Lys)

Gene: SKI (SKI proto-oncogene; plus strand). Cytogenetic location: 1p36.32.
Variant type: single nucleotide variant.
Coding change: c.2146G>A on transcript NM_003036.4 (MANE Select); coding-DNA position 2146, G replaced by A.
Protein change: p.Glu716Lys; replaces glutamic acid 716 with lysine.
Molecular consequence: missense variant.
Genome position (GRCh38, 1-based): chr1:2,306,724, G>A. VCF-style: chr1-2306724-G-A. GRCh37 (hg19) VCF-style: chr1-2238163-G-A.
Other names: short protein forms E716K.
Identifiers: ClinVar variation 964591 (VCV000964591.1), dbSNP rs1640595885, ClinGen allele CA337959838.